The following is an entry in ClinVar:

NM_013940.4(OR10H1):c.207C>T (p.Ser69=)

Gene: OR10H1 (olfactory receptor family 10 subfamily H member 1; minus strand). Cytogenetic location: 19p13.12.
Variant type: single nucleotide variant.
Coding change: c.207C>T on transcript NM_013940.4 (MANE Select); coding-DNA position 207, C replaced by T.
Protein change: p.Ser69=; no amino-acid change (serine 69 retained).
Molecular consequence: synonymous variant.
Genome position (GRCh38, 1-based): chr19:15,807,831, G>A on the plus strand (C>T on the coding strand, the complement: OR10H1 is on the minus strand). VCF-style: chr19-15807831-G-A. GRCh37 (hg19) VCF-style: chr19-15918641-G-A.
Identifiers: ClinVar variation 2649505 (VCV002649505.24), dbSNP rs754728990, ClinGen allele CA9273459.

ClinVar aggregate classification (germline): Likely benign (1 of 4 stars; one submission).

Allele frequency attached by ClinVar (database versions not stated): ExAC 0.00004.

Submission:

CeGaT Center for Human Genetics Tuebingen
Classification: Likely benign. Last evaluated: 2022-11-01. Review status: criteria provided, single submitter. Criteria: CeGaT Center For Human Genetics Tuebingen Variant Classification Criteria Version 2. Collection method: clinical testing. Allele origin: germline. Affected: yes. Observed: 1 variant allele.
Comment: OR10H1: BP4, BP7